The following is an entry in ClinVar:

ClinVar aggregate classification (germline): Pathogenic (1 of 4 stars; one submission).

Submission:

Labcorp Genetics (formerly Invitae), Labcorp
Classification: Pathogenic. Last evaluated: 2024-03-08. Review status: criteria provided, single submitter. Criteria: Invitae Variant Classification Sherloc (09022015). Collection method: clinical testing. Allele origin: germline.
Comment: This sequence change creates a premature translational stop signal (p.Glu160*) in the CEP152 gene. It is expected to result in an absent or disrupted protein product. Loss-of-function variants in CEP152 are known to be pathogenic (PMID: 21131973). This variant is not present in population databases (gnomAD no frequency). This variant has not been reported in the literature in individuals affected with CEP152-related conditions. Algorithms developed to predict the effect of sequence changes on RNA splicing suggest that this variant may disrupt the consensus splice site. For these reasons, this variant has been classified as Pathogenic.

Literature cited by the submitters: PubMed 21131973.

NM_001194998.2(CEP152):c.478G>T (p.Glu160Ter)

Gene: CEP152 (centrosomal protein 152; minus strand). Cytogenetic location: 15q21.1.
Variant type: single nucleotide variant.
Coding change: c.478G>T on transcript NM_001194998.2 (MANE Select); coding-DNA position 478, G replaced by T.
Protein change: p.Glu160Ter; replaces glutamic acid 160 with a stop codon.
Molecular consequence: nonsense.
Genome position (GRCh38, 1-based): chr15:48,797,363, C>A on the plus strand (G>T on the coding strand, the complement: CEP152 is on the minus strand). VCF-style: chr15-48797363-C-A. GRCh37 (hg19) VCF-style: chr15-49089560-C-A.
Other names: c.478G>T, p.Glu160Ter (NM_014985.4); short protein forms E160*.
Identifiers: ClinVar variation 3641859 (VCV003641859.2).